The following is an entry in ClinVar:

NM_000186.4(CFH):c.3494-1G>A

Gene: CFH (complement factor H; plus strand). Cytogenetic location: 1q31.3.
Variant type: single nucleotide variant.
Coding change: c.3494-1G>A on transcript NM_000186.4 (MANE Select); the canonical splice acceptor site of the intron before coding-DNA position 3494, G replaced by A.
Molecular consequence: splice acceptor variant.
Genome position (GRCh38, 1-based): chr1:196,747,110, G>A. VCF-style: chr1-196747110-G-A. GRCh37 (hg19) VCF-style: chr1-196716240-G-A.
Identifiers: ClinVar variation 4857340 (VCV004857340.1).
Genomic context (GRCh38, chr1:196,747,110, plus strand): 5'-GAAAGTCTATGAAGATTTGCATACTACTTAATGTTTTATGTTTACTGTTTTTTATTTTCA[G>A]ATCCGTGTGTAATATCCCGAGAAATTATGGAAAATTATAACATAGCATTAAGGTGGACAG-3'

ClinVar aggregate classification (germline): Likely pathogenic (1 of 4 stars; one submission).

Conditions:
Hemolytic uremic syndrome, atypical, susceptibility to, 1. Also called: AHUS, SUSCEPTIBILITY TO, 1. Identifiers: Orphanet 2134, Orphanet 90038, MedGen C2749604, MONDO:0009335, OMIM 235400. Disease mechanism: Other.

Submission:

Clinical Research Development Center, Iran University of Medical Sciences (IUMS)
Classification: Likely pathogenic for Hemolytic uremic syndrome, atypical, susceptibility to, 1. Last evaluated: 2026-06-28. Review status: criteria provided, single submitter. Criteria: ACMG Guidelines, 2015. Collection method: clinical testing. Allele origin: germline. Affected: yes.
Comment: The c.3494-1G>A variant in CFH gene was absent from large population studies (PM2). It is a null variant in a gene where loss of function is a known mechanism of disease; so, it results in an absent or disrupted protein product (PVS1).

Literature cited by the submitters: PubMed 33784485.